The following is an entry in ClinVar:

NM_001042492.3(NF1):c.1721G>C (p.Ser574Thr)

Gene: NF1 (neurofibromin 1; plus strand). Cytogenetic location: 17q11.2.
Variant type: single nucleotide variant.
Coding change: c.1721G>C on transcript NM_001042492.3 (MANE Select); coding-DNA position 1721, G replaced by C.
Protein change: p.Ser574Thr; replaces serine 574 with threonine.
Molecular consequence: missense variant.
Genome position (GRCh38, 1-based): chr17:31,221,929, G>C. VCF-style: chr17-31221929-G-C. GRCh37 (hg19) VCF-style: chr17-29548947-G-C.
Other names: c.1721G>C, p.Ser574Thr (NM_000267.4); c.1721G>C, p.Arg574Thr (NM_001128147.3); short protein forms R574T, S574T.
Identifiers: ClinVar variation 2736516 (VCV002736516.5), dbSNP rs1555613206, ClinGen allele CA399002389.

ClinVar aggregate classification (germline): Pathogenic. Review status: criteria provided, multiple submitters, no conflicts (2 of 4 stars). 2 submissions from 2 submitters: Pathogenic (2). Last evaluated 2025-12-05.
ClinVar aggregate classification (somatic clinical impact): Tier I - Strong. Review status: criteria provided, single submitter (1 of 4 stars). 2 submissions from 1 submitter. 1 of the submissions does not count toward it. Last evaluated 2025-03-06.

Conditions:
Cardiovascular phenotype. Identifiers: MedGen CN230736.
Hereditary cancer-predisposing syndrome. Also called: Hereditary neoplastic syndrome; Hereditary Cancer Syndrome; Neoplastic Syndromes, Hereditary; Tumor predisposition. Identifiers: Orphanet 140162, MedGen C0027672, MeSH D009386, MONDO:0015356.
Neurofibromatosis, type 1 (NF1). Also called: Neurofibromatosis, type I; Peripheral type neurofibromatosis; VON RECKLINGHAUSEN DISEASE; NEUROFIBROMATOSIS, TYPE I, SOMATIC. Identifiers: Orphanet 636, MedGen C0027831, MONDO:0018975, OMIM 162200. Disease mechanism: loss of function.
Atypical teratoid rhabdoid tumor. Also called: Atypical teratoid/rhabdoid tumor. Identifiers: Orphanet 99966, MedGen C1266184, MONDO:0020560, HP:0034401.
Embryonal rhabdomyosarcoma (ERMS). Also called: Botryoid rhabdomyosarcoma (type of ERMS); Spindle cell rhabdomyosarcomas (type of ERMS). Identifiers: Orphanet 99757, MedGen C0206656, MONDO:0009993, HP:0006743.

Submissions (4):

Ambry Genetics
Classification: Pathogenic for Cardiovascular phenotype; Hereditary cancer-predisposing syndrome. Last evaluated: 2025-12-05. Review status: criteria provided, single submitter. Criteria: Ambry Variant Classification Scheme 2023. Collection method: clinical testing. Allele origin: germline.
Comment: The c.1721G>C pathogenic mutation (also known as p.S574T), located in coding exon 15 of the NF1 gene, results from a G to C substitution at nucleotide position 1721. The amino acid change results in serine to threonine at codon 574, an amino acid with similar properties. However, this change occurs in the last base pair of coding exon 15, which makes it likely to have some effect on normal mRNA splicing. This variant was reported in individual(s) with features consistent with Neurofibromatosis type 1 (Fahsold R et al. Am J Hum Genet, 2000 Mar;66:790-818; Giugliano T et al. Genes (Basel), 2019 Jul;10:; Ambry internal data). This variant is considered to be rare based on population cohorts in the Genome Aggregation Database (gnomAD). This nucleotide position is highly conserved in available vertebrate species. In silico splice site analysis predicts that this alteration will weaken the native splice donor site; however, direct evidence is insufficient at this time (Ambry internal data). Based on the supporting evidence, this variant is interpreted as a disease-causing mutation.

Institute for Genomic Medicine (IGM) Clinical Laboratory, Nationwide Children's Hospital
Classification: Tier II - Potential for Atypical teratoid rhabdoid tumor. Assertion type: diagnostic. Clinical significance: supports diagnosis. Last evaluated: 2025-07-15. Review status: criteria provided, single submitter. Criteria: AMP/ASCO/CAP Guidelines, 2017. Collection method: clinical testing. Allele origin: somatic. Affected: yes. Not counted in ClinVar's aggregate classification.
Comment: Variant has Tier II (potential) clinical significance as a diagnostic inclusion criterion in atypical teratoid rhabdoid tumor, based on the following evidence: 1) Documented in one or more cancer databases (e.g., St. Jude Pecan, COSMIC, CIViC, OncoKB). 2) Assists in diagnosis alone or along with other biomarkers based on small studies or few case reports (Evidence Level D; PMID: 35446794).

Institute for Genomic Medicine (IGM) Clinical Laboratory, Nationwide Children's Hospital
Classification: Tier I - Strong for Embryonal rhabdomyosarcoma. Assertion type: diagnostic. Clinical significance: supports diagnosis. Last evaluated: 2025-03-06. Review status: criteria provided, single submitter. Criteria: AMP/ASCO/CAP Guidelines, 2017. Collection method: clinical testing. Allele origin: somatic. Affected: yes.
Comment: Variant has Tier I (strong) clinical significance as a diagnostic inclusion criterion in embryonal rhabdomyosarcoma, based on the following evidence: 1) Documented in one or more cancer databases (e.g., St. Jude Pecan, COSMIC, CIViC, OncoKB). 2) Appears in one or more well-established professional guidelines (e.g., World Health Organization [WHO]; National Comprehensive Cancer Network [NCCN]) as providing diagnostic, prognostic, or therapeutic information. 3) Diagnostic for a specific tumor type/classification based on well-powered studies with expert-level consensus (Evidence Level B; PMIDs: 34166060, 24436047, 26138366, 21412928).

Labcorp Genetics (formerly Invitae), Labcorp
Classification: Pathogenic for Neurofibromatosis, type 1. Last evaluated: 2024-04-16. Review status: criteria provided, single submitter. Criteria: Invitae Variant Classification Sherloc (09022015). Collection method: clinical testing. Allele origin: germline.
Comment: This sequence change replaces serine, which is neutral and polar, with threonine, which is neutral and polar, at codon 574 of the NF1 protein (p.Ser574Thr). This variant also falls at the last nucleotide of exon 15, which is part of the consensus splice site for this exon. This variant is not present in population databases (gnomAD no frequency). This missense change has been observed in individual(s) with neurofibromatosis type 1 (PMID: 10712197, 31370276). An algorithm developed to predict the effect of missense changes on protein structure and function (PolyPhen-2) suggests that this variant is likely to be tolerated. Variants that disrupt the consensus splice site are a relatively common cause of aberrant splicing (PMID: 17576681, 9536098). Algorithms developed to predict the effect of sequence changes on RNA splicing suggest that this variant may disrupt the consensus splice site. This variant disrupts the c.1721G nucleotide in the NF1 gene. Other variant(s) that disrupt this nucleotide have been determined to be pathogenic (PMID: 10712197, 16835897, 24232412; Invitae). This suggests that this nucleotide is clinically significant, and that variants that disrupt this position are likely to be disease-causing. For these reasons, this variant has been classified as Pathogenic.

Literature cited by the submitters: PubMed 10712197 (cited by Ambry Genetics and Labcorp Genetics (formerly Invitae), Labcorp); PubMed 31370276 (cited by Ambry Genetics and Labcorp Genetics (formerly Invitae), Labcorp); PubMed 35446794 (cited by Institute for Genomic Medicine (IGM) Clinical Laboratory, Nationwide Children's Hospital); PubMed 34166060 (cited by Institute for Genomic Medicine (IGM) Clinical Laboratory, Nationwide Children's Hospital); PubMed 24436047 (cited by Institute for Genomic Medicine (IGM) Clinical Laboratory, Nationwide Children's Hospital); PubMed 26138366 (cited by Institute for Genomic Medicine (IGM) Clinical Laboratory, Nationwide Children's Hospital); PubMed 21412928 (cited by Institute for Genomic Medicine (IGM) Clinical Laboratory, Nationwide Children's Hospital); PubMed 17576681 (cited by Labcorp Genetics (formerly Invitae), Labcorp); PubMed 9536098 (cited by Labcorp Genetics (formerly Invitae), Labcorp); PubMed 16835897 (cited by Labcorp Genetics (formerly Invitae), Labcorp); PubMed 24232412 (cited by Labcorp Genetics (formerly Invitae), Labcorp).